The following is an entry in ClinVar:

NM_005032.7(PLS3):c.500+1G>A

Gene: PLS3 (plastin 3; plus strand). Cytogenetic location: Xq23.
Variant type: single nucleotide variant.
Coding change: c.500+1G>A on transcript NM_005032.7 (MANE Select); the canonical splice donor site of the intron after coding-DNA position 500, G replaced by A.
Molecular consequence: splice donor variant.
Genome position (GRCh38, 1-based): chrX:115,629,968, G>A. VCF-style: chrX-115629968-G-A. GRCh37 (hg19) VCF-style: chrX-114864280-G-A.
Other names: NC_000023.10:g.114864280G>A; c.434+1G>A (NM_001282337.2); c.500+1G>A (NM_001440791.1, NM_001440792.1, NM_001136025.5); c.365+1G>A (NM_001282338.2); c.419+1G>A (NM_001172335.3).
Identifiers: ClinVar variation 4465703 (VCV004465703.1).

ClinVar aggregate classification (germline): Likely pathogenic (1 of 4 stars; one submission).

Conditions:
Bone mineral density quantitative trait locus 18 (BMND18). Also called: OSTEOPOROSIS AND OSTEOPOROTIC FRACTURES, SUSCEPTIBILITY TO; Bone mineral density QTL18, osteoporosis. Identifiers: Orphanet 391330, MedGen C3806712, OMIM 300910.

Submissions (2):

Petrovsky National Research Centre of Surgery, The Federal Agency for Scientific Organizations
Classification: Likely pathogenic for Bone mineral density quantitative trait locus 18. Last evaluated: 2024-10-21. Review status: criteria provided, single submitter. Criteria: ACMG Guidelines, 2015. Collection method: clinical testing. Allele origin: maternal. Inheritance: X-linked dominant inheritance. Affected: yes. Observed: 1 hemizygote.
Comment: The variant NM_005032.7:c.500+1G>A is absent in The Genome Aggregation Database (gnomAD) v2.1.1 and v4.1.0 (Date of access with 06-10-2025). It is predicted to disrupt canonical splice site in mRNA. We assume that this variant could be classified as Likely Pathogenic.

Dr. Peter K. Rogan Lab, Western University
No classification provided (evidence only). Condition: Thyroid cancer, nonmedullary, 1. Review status: no classification provided. Collection method: in vitro. Allele origin: not applicable. Functional consequence: retained intron. Not counted in ClinVar's aggregate classification.